The following is an entry in ClinVar:

NM_000159.4(GCDH):c.283G>C (p.Glu95Gln)

Gene: GCDH (glutaryl-CoA dehydrogenase; plus strand). Cytogenetic location: 19p13.13.
Variant type: single nucleotide variant.
Coding change: c.283G>C on transcript NM_000159.4 (MANE Select); coding-DNA position 283, G replaced by C.
Protein change: p.Glu95Gln; replaces glutamic acid 95 with glutamine.
Molecular consequence: missense variant. On other transcripts: non-coding transcript variant (1).
Genome position (GRCh38, 1-based): chr19:12,892,127, G>C. VCF-style: chr19-12892127-G-C. GRCh37 (hg19) VCF-style: chr19-13002941-G-C.
Other names: c.283G>C, p.Glu95Gln (NM_013976.5); short protein forms E95Q.
Identifiers: ClinVar variation 2150643 (VCV002150643.1), dbSNP rs746515686, ClinGen allele CA9234313.

ClinVar aggregate classification (germline): Uncertain significance (1 of 4 stars; one submission).

Conditions:
Glutaric aciduria, type 1. Also called: Glutaricacidemia Type 1; Glutaricaciduria, type I; Glutaric Acidemia Type 1; GA I; Glutaryl-CoA dehydrogenase deficiency; Glutaric acidemia type I. Identifiers: Orphanet 25, MedGen C0268595, MONDO:0009281, OMIM 231670.

Allele frequency attached by ClinVar (database versions not stated): gnomAD exomes below 0.00001; ExAC 0.00001.

Submission:

Labcorp Genetics (formerly Invitae), Labcorp
Classification: Uncertain significance for Glutaric aciduria, type 1. Last evaluated: 2022-03-10. Review status: criteria provided, single submitter. Criteria: Invitae Variant Classification Sherloc (09022015). Collection method: clinical testing. Allele origin: germline.
Comment: This sequence change replaces glutamic acid, which is acidic and polar, with glutamine, which is neutral and polar, at codon 95 of the GCDH protein (p.Glu95Gln). This variant is present in population databases (rs746515686, gnomAD 0.0009%). This variant has not been reported in the literature in individuals affected with GCDH-related conditions. Advanced modeling of protein sequence and biophysical properties (such as structural, functional, and spatial information, amino acid conservation, physicochemical variation, residue mobility, and thermodynamic stability) performed at Invitae indicates that this missense variant is expected to disrupt GCDH protein function. In summary, the available evidence is currently insufficient to determine the role of this variant in disease. Therefore, it has been classified as a Variant of Uncertain Significance.